The following is an entry in ClinVar:

NM_173477.5(USH1G):c.1382+3G>A

Gene: USH1G (USH1 protein network component sans; minus strand). Cytogenetic location: 17q25.1.
Variant type: single nucleotide variant.
Coding change: c.1382+3G>A on transcript NM_173477.5 (MANE Select); 3 bases into the intron after coding-DNA position 1382, G replaced by A.
Molecular consequence: intron variant.
Genome position (GRCh38, 1-based): chr17:74,919,451, C>T on the plus strand (G>A on the coding strand, the complement: USH1G is on the minus strand). VCF-style: chr17-74919451-C-T. GRCh37 (hg19) VCF-style: chr17-72915546-C-T.
Other names: c.1073+3G>A (NM_001282489.3); c.1382+3G>A (NM_173477.4).
Identifiers: ClinVar variation 1471975 (VCV001471975.5), dbSNP rs375297515, ClinGen allele CA8753875.

ClinVar aggregate classification (germline): Uncertain significance. Review status: criteria provided, single submitter (1 of 4 stars). 2 submissions from 2 submitters: Uncertain significance (1). 1 of the submissions does not count toward it. Last evaluated 2021-02-18.

Conditions:
USH1G-related disorder. Also called: USH1G-related disorders; USH1G-related condition.

Allele frequency attached by ClinVar (database versions not stated): gnomAD 0.00001; gnomAD exomes 0.00001 and 0.00003; ExAC 0.00004.
gnomAD v4.1: 16 of 1,604,040 alleles (0.001%); highest among the groups gnomAD compares: East Asian, 0.034%; no homozygotes.

Submissions (2):

Labcorp Genetics (formerly Invitae), Labcorp
Classification: Uncertain significance. Last evaluated: 2021-02-18. Review status: criteria provided, single submitter. Criteria: Invitae Variant Classification Sherloc (09022015). Collection method: clinical testing. Allele origin: germline.
Comment: This sequence change falls in intron 2 of the USH1G gene. It does not directly change the encoded amino acid sequence of the USH1G protein. It affects a nucleotide within the consensus splice site of the intron. This variant is present in population databases (rs375297515, ExAC 0.05%). This variant has not been reported in the literature in individuals with USH1G-related conditions. Nucleotide substitutions within the consensus splice site are a relatively common cause of aberrant splicing (PMID: 17576681, 9536098). Experimental studies and prediction algorithms are not available or were not evaluated, and the effect of this variant on mRNA splicing is currently unknown. In summary, the available evidence is currently insufficient to determine the role of this variant in disease. Therefore, it has been classified as a Variant of Uncertain Significance.

PreventionGenetics, part of Exact Sciences
Classification: Likely benign for USH1G-related condition. Last evaluated: 2020-09-29. Review status: no assertion criteria provided. Collection method: clinical testing. Allele origin: germline. Not counted in ClinVar's aggregate classification.
Comment: This variant is classified as likely benign based on ACMG/AMP sequence variant interpretation guidelines (Richards et al. 2015 PMID: 25741868, with internal and published modifications).

Literature cited by the submitters: PubMed 17576681 (cited by Labcorp Genetics (formerly Invitae), Labcorp); PubMed 9536098 (cited by Labcorp Genetics (formerly Invitae), Labcorp).